The following is an entry in ClinVar:

NC_000012.12:g.40537672G>A

Gene: MUC19 (mucin 19, oligomeric (gene/pseudogene); plus strand). Cytogenetic location: 12q12.
Variant type: single nucleotide variant.
Genome position: GRCh38 VCF-style: chr12-40537672-G-A. GRCh37 (hg19) VCF-style: chr12-40931474-G-A.
Identifiers: ClinVar variation 2642884 (VCV002642884.24), dbSNP rs61730699, ClinGen allele CA6516096.

ClinVar aggregate classification (germline): Likely benign (1 of 4 stars; one submission).

Allele frequency attached by ClinVar (database versions not stated): 1000 Genomes Project 0.00220; 1000 Genomes Project 30x 0.00234; gnomAD 0.00437; TOPMed 0.00465; ExAC 0.00521; gnomAD exomes 0.00791.

Submission:

CeGaT Center for Human Genetics Tuebingen
Classification: Likely benign. Last evaluated: 2023-07-01. Review status: criteria provided, single submitter. Criteria: CeGaT Center For Human Genetics Tuebingen Variant Classification Criteria Version 2. Collection method: clinical testing. Allele origin: germline. Affected: yes. Observed: 1 variant allele.
Comment: MUC19: BS2